The following is an entry in ClinVar:

ClinVar aggregate classification (germline): Likely benign (1 of 4 stars; one submission).

Submission:

Molecular Diagnostic Laboratory for Inherited Cardiovascular Disease, Montreal Heart Institute
Classification: Likely benign. Last evaluated: 2025-04-09. Review status: criteria provided, single submitter. Criteria: ACMG Guidelines, 2015. Collection method: clinical testing. Allele origin: germline. Affected: no.
Comment: BP7

NM_001267550.2(TTN):c.95202A>G (p.Glu31734=)

Genes: TTN (titin; minus strand), TTN-AS1 (TTN antisense RNA 1; plus strand). Cytogenetic location: 2q31.2.
Variant type: single nucleotide variant.
Coding change: c.95202A>G on transcript NM_001267550.2 (MANE Select); coding-DNA position 95202, A replaced by G.
Protein change: p.Glu31734=; no amino-acid change (glutamic acid 31734 retained).
Molecular consequence: synonymous variant.
Genome position (GRCh38, 1-based): chr2:178,546,034, T>C on the plus strand (A>G on the coding strand, the complement: TTN is on the minus strand). VCF-style: chr2-178546034-T-C. GRCh37 (hg19) VCF-style: chr2-179410761-T-C.
Other names: c.90279A>G, p.Glu30093= (NM_001256850.1); c.68007A>G, p.Glu22669= (NM_003319.4); c.87498A>G, p.Glu29166= (NM_133378.4); c.68382A>G, p.Glu22794= (NM_133432.3); c.68583A>G, p.Glu22861= (NM_133437.4).
Identifiers: ClinVar variation 3895116 (VCV003895116.1).
Genomic context (GRCh38, chr2:178,546,034, plus strand): 5'-GTTGAGCCTGCTAGTCTCGCGTCTTTCCACGATGTAGTGAGTGATTTCTGCTCCTCCGTC[T>C]TCCTGCGGAAGGCTCCAGGCTAAAGTGCACTTCTCCTGTGTTACTCTGCTGACGGTGAGC-3'
Protein context (NP_001254479.2, residues 31724-31744): KCTLAWSLPQ[Glu31734=]DGGAEITHYI